The following is an entry in ClinVar:

NM_002693.3(POLG):c.209G>A (p.Arg70Gln)

Genes: POLG (DNA polymerase gamma, catalytic subunit; minus strand), POLGARF (POLG alternative reading frame; minus strand). Cytogenetic location: 15q26.1.
Variant type: single nucleotide variant.
Coding change: c.209G>A on transcript NM_002693.3 (MANE Select); coding-DNA position 209, G replaced by A.
Protein change: p.Arg70Gln; replaces arginine 70 with glutamine.
Molecular consequence: missense variant.
Genome position (GRCh38, 1-based): chr15:89,333,546, C>T on the plus strand (G>A on the coding strand, the complement: POLG is on the minus strand). VCF-style: chr15-89333546-C-T. GRCh37 (hg19) VCF-style: chr15-89876777-C-T.
Other names: c.209G>A, p.Arg70Gln (NM_001126131.2); short protein forms R70Q.
Identifiers: ClinVar variation 1363284 (VCV001363284.6), dbSNP rs1031558097, ClinGen allele CA274566338.

ClinVar aggregate classification (germline): Uncertain significance (1 of 4 stars; one submission).

Conditions:
Progressive sclerosing poliodystrophy (MTDPS4A). Also called: NEURONAL DEGENERATION OF CHILDHOOD WITH LIVER DISEASE, PROGRESSIVE; Alpers Syndrome; ALPERS DIFFUSE DEGENERATION OF CEREBRAL GRAY MATTER WITH HEPATIC CIRRHOSIS; Alpers-Huttenlocher Syndrome; Mitochondrial DNA depletion syndrome 4A (Alpers type); Mitochondrial DNA Depletion Syndrome 4A. Identifiers: Orphanet 726, MedGen C0205710, MONDO:0008758, OMIM 203700.

Submission:

Labcorp Genetics (formerly Invitae), Labcorp
Classification: Uncertain significance for Progressive sclerosing poliodystrophy. Last evaluated: 2023-03-08. Review status: criteria provided, single submitter. Criteria: Invitae Variant Classification Sherloc (09022015). Collection method: clinical testing. Allele origin: germline.
Comment: This variant is not present in population databases (gnomAD no frequency). This variant has not been reported in the literature in individuals affected with POLG-related conditions. ClinVar contains an entry for this variant (Variation ID: 1363284). Advanced modeling of protein sequence and biophysical properties (such as structural, functional, and spatial information, amino acid conservation, physicochemical variation, residue mobility, and thermodynamic stability) performed at Invitae indicates that this missense variant is expected to disrupt POLG protein function. In summary, the available evidence is currently insufficient to determine the role of this variant in disease. Therefore, it has been classified as a Variant of Uncertain Significance. This sequence change replaces arginine, which is basic and polar, with glutamine, which is neutral and polar, at codon 70 of the POLG protein (p.Arg70Gln).